The following is an entry in ClinVar:

NM_001035.3(RYR2):c.8308A>G (p.Ile2770Val)

Gene: RYR2 (ryanodine receptor 2; plus strand). Cytogenetic location: 1q43.
Variant type: single nucleotide variant.
Coding change: c.8308A>G on transcript NM_001035.3 (MANE Select); coding-DNA position 8308, A replaced by G.
Protein change: p.Ile2770Val; replaces isoleucine 2770 with valine.
Molecular consequence: missense variant.
Genome position (GRCh38, 1-based): chr1:237,660,819, A>G. VCF-style: chr1-237660819-A-G. GRCh37 (hg19) VCF-style: chr1-237824119-A-G.
Other names: short protein forms I2770V.
Identifiers: ClinVar variation 3071978 (VCV003071978.1), dbSNP rs2547120121, ClinGen allele CA345401747.

ClinVar aggregate classification (germline): Uncertain significance (1 of 4 stars; one submission).

Conditions:
Catecholaminergic polymorphic ventricular tachycardia (CVPT). Also called: Catecholamine-induced polymorphic ventricular tachycardia. Identifiers: Orphanet 3286, MedGen C5574922, MONDO:0017990.

Allele frequency attached by ClinVar (database versions not stated): gnomAD exomes below 0.00001.
gnomAD v4.1: 1 of 1,542,456 alleles (0.000065%); highest among the groups gnomAD compares: Middle Eastern, 0.017%; no homozygotes.

Submission:

All of Us Research Program, National Institutes of Health
Classification: Uncertain significance for Catecholaminergic polymorphic ventricular tachycardia. Last evaluated: 2023-06-26. Review status: criteria provided, single submitter. Criteria: ACMG Guidelines, 2015. Collection method: clinical testing. Allele origin: germline. Inheritance: Autosomal dominant inheritance. Observed: 1 variant allele, 1 heterozygote.
Comment: This missense variant replaces isoleucine with valine at codon 2770 of the RYR2 protein. Computational prediction suggests that this variant may not impact protein structure and function (internally defined REVEL score threshold <= 0.5, PMID: 27666373). To our knowledge, functional studies have not been reported for this variant. This variant has not been reported in individuals affected with RYR2-related disorders in the literature. This variant has not been identified in the general population by the Genome Aggregation Database (gnomAD). The available evidence is insufficient to determine the role of this variant in disease conclusively. Therefore, this variant is classified as a Variant of Uncertain Significance.

This study involves interpretation of variants in research participants for the purpose of population health screening. Participant phenotype was not available at the time of variant classification. Additional details can be found in publication PMID: 35346344, PMCID: PMC8962531